The following is an entry in ClinVar:

ClinVar aggregate classification (germline): Uncertain significance (1 of 4 stars; one submission).

Conditions:
Pyogenic arthritis-pyoderma gangrenosum-acne syndrome (PAPA). Also called: FAMILIAL RECURRENT ARTHRITIS; PAPA SYNDROME. Identifiers: Orphanet 69126, MedGen C1858361, MONDO:0011462, OMIM 604416.

Allele frequency attached by ClinVar (database versions not stated): gnomAD 0.00001; gnomAD exomes 0.00001; TOPMed 0.00002; ExAC 0.00007.
gnomAD v4.1: 19 of 1,580,250 alleles (0.0012%); highest among the groups gnomAD compares: East Asian, 0.0046%; no homozygotes.

Submission:

Labcorp Genetics (formerly Invitae), Labcorp
Classification: Uncertain significance for Pyogenic arthritis-pyoderma gangrenosum-acne syndrome. Last evaluated: 2024-12-17. Review status: criteria provided, single submitter. Criteria: Invitae Variant Classification Sherloc (09022015). Collection method: clinical testing. Allele origin: germline.
Comment: This sequence change replaces proline, which is neutral and non-polar, with leucine, which is neutral and non-polar, at codon 281 of the PSTPIP1 protein (p.Pro281Leu). This variant is present in population databases (rs769222897, gnomAD 0.02%). This variant has not been reported in the literature in individuals affected with PSTPIP1-related conditions. ClinVar contains an entry for this variant (Variation ID: 2981360). Invitae Evidence Modeling of protein sequence and biophysical properties (such as structural, functional, and spatial information, amino acid conservation, physicochemical variation, residue mobility, and thermodynamic stability) indicates that this missense variant is not expected to disrupt PSTPIP1 protein function with a negative predictive value of 80%. In summary, the available evidence is currently insufficient to determine the role of this variant in disease. Therefore, it has been classified as a Variant of Uncertain Significance.

NM_003978.5(PSTPIP1):c.842C>T (p.Pro281Leu)

Gene: PSTPIP1 (proline-serine-threonine phosphatase interacting protein 1; plus strand). Cytogenetic location: 15q24.3.
Variant type: single nucleotide variant.
Coding change: c.842C>T on transcript NM_003978.5 (MANE Select); coding-DNA position 842, C replaced by T.
Protein change: p.Pro281Leu; replaces proline 281 with leucine.
Molecular consequence: missense variant. On other transcripts: intron variant (1).
Genome position (GRCh38, 1-based): chr15:77,032,865, C>T. VCF-style: chr15-77032865-C-T. GRCh37 (hg19) VCF-style: chr15-77325206-C-T.
Other names: c.815C>T, p.Pro272Leu (NM_001321136.2); c.1037C>T, p.Pro346Leu (NM_001321137.1); c.842C>T, p.Pro281Leu (NM_001411086.1); c.872+437C>T (NM_001321135.2); short protein forms P281L, P346L, P272L.
Identifiers: ClinVar variation 2981360 (VCV002981360.3), dbSNP rs769222897, ClinGen allele CA7676050.